The following is an entry in ClinVar:

NM_000455.5(STK11):c.409C>A (p.Gln137Lys)

Gene: STK11 (serine/threonine kinase 11; plus strand). Cytogenetic location: 19p13.3.
Variant type: single nucleotide variant.
Coding change: c.409C>A on transcript NM_000455.5 (MANE Select); coding-DNA position 409, C replaced by A.
Protein change: p.Gln137Lys; replaces glutamine 137 with lysine.
Molecular consequence: missense variant.
Genome position (GRCh38, 1-based): chr19:1,219,358, C>A. VCF-style: chr19-1219358-C-A. GRCh37 (hg19) VCF-style: chr19-1219357-C-A.
Other names: short protein forms Q137K.
Identifiers: ClinVar variation 185210 (VCV000185210.13), dbSNP rs730881970, ClinGen allele CA022909.

ClinVar aggregate classification (germline): Uncertain significance. Review status: criteria provided, multiple submitters, no conflicts (2 of 4 stars). 4 submissions from 4 submitters: Uncertain significance (4). Last evaluated 2023-03-01.

Conditions:
Hereditary cancer-predisposing syndrome. Also called: Tumor predisposition; Hereditary Cancer Syndrome; Hereditary neoplastic syndrome; Neoplastic Syndromes, Hereditary. Identifiers: Orphanet 140162, MedGen C0027672, MeSH D009386, MONDO:0015356.
Peutz-Jeghers syndrome (PJS). Also called: POLYPOSIS, HAMARTOMATOUS INTESTINAL; POLYPS-AND-SPOTS SYNDROME; Peutz-Jeghers polyposis; Periorificial lentiginosis syndrome. Identifiers: Orphanet 2869, MedGen C0031269, MeSH D010580, MONDO:0008280, OMIM 175200.

Submissions (4):

Labcorp Genetics (formerly Invitae), Labcorp
Classification: Uncertain significance for Peutz-Jeghers syndrome. Last evaluated: 2023-03-01. Review status: criteria provided, single submitter. Criteria: Invitae Variant Classification Sherloc (09022015). Collection method: clinical testing. Allele origin: germline.
Comment: ClinVar contains an entry for this variant (Variation ID: 185210). This variant has not been reported in the literature in individuals affected with STK11-related conditions. This variant is not present in population databases (gnomAD no frequency). This sequence change replaces glutamine, which is neutral and polar, with lysine, which is basic and polar, at codon 137 of the STK11 protein (p.Gln137Lys). Advanced modeling of protein sequence and biophysical properties (such as structural, functional, and spatial information, amino acid conservation, physicochemical variation, residue mobility, and thermodynamic stability) performed at Invitae indicates that this missense variant is expected to disrupt STK11 protein function. Algorithms developed to predict the effect of sequence changes on RNA splicing suggest that this variant may disrupt the consensus splice site. In summary, the available evidence is currently insufficient to determine the role of this variant in disease. Therefore, it has been classified as a Variant of Uncertain Significance.

Genome-Nilou Lab
Classification: Uncertain significance for Peutz-Jeghers syndrome. Last evaluated: 2021-07-15. Review status: criteria provided, single submitter. Criteria: ACMG Guidelines, 2015. Collection method: clinical testing. Allele origin: germline. Affected: no.

Color Diagnostics, LLC DBA Color Health
Classification: Uncertain significance for Hereditary cancer-predisposing syndrome. Last evaluated: 2018-11-23. Review status: criteria provided, single submitter. Criteria: ACMG Guidelines, 2015. Collection method: clinical testing. Allele origin: germline.

Ambry Genetics
Classification: Uncertain significance for Hereditary cancer-predisposing syndrome. Last evaluated: 2014-07-30. Review status: criteria provided, single submitter. Criteria: Ambry Variant Classification Scheme 2023. Collection method: clinical testing. Allele origin: germline.
Comment: The p.Q137K variant (also known as c.409C>A), located in coding exon 3 of the STK11 gene, results from a C to A substitution at nucleotide position 409. The glutamine at codon 137 is replaced by lysine, an amino acid with similar properties. This variant was not reported in population based cohorts in the following databases: Database of Single Nucleotide Polymorphisms (dbSNP), NHLBI Exome Sequencing Project (ESP), and 1000 Genomes Project. To date, this alteration has been detected with an allele frequency of approximately 0.002% (greater than 46000 alleles tested) in our clinical cohort. This amino acid position is highly conserved in available vertebrate species. In addition, the in silico prediction for this alteration is inconclusive. Since supporting evidence is limited at this time, the clinical significance of p.Q137K remains unclear.